The following is an entry in ClinVar:

ClinVar aggregate classification (germline): Uncertain significance. Review status: criteria provided, multiple submitters, no conflicts (2 of 4 stars). 3 submissions from 3 submitters: Uncertain significance (2). 1 of the submissions does not count toward it. Last evaluated 2022-10-24.

Conditions:
Meckel syndrome, type 5 (MKS5). Identifiers: Orphanet 564, MedGen C1969052, MONDO:0012695, OMIM 611561.
COACH syndrome 3. Identifiers: MedGen C5436841, MONDO:0030862, OMIM 619113.
Joubert syndrome 7 (JBTS7). Identifiers: Orphanet 220497, MedGen C1969053, MONDO:0012694, OMIM 611560.
Meckel-Gruber syndrome. Also called: DYSENCEPHALIA SPLANCHNOCYSTICA; GRUBER SYNDROME; Dysencephalia splachnocystica. Identifiers: Orphanet 564, MedGen C0265215, MONDO:0018921.
Joubert syndrome. Also called: CEREBELLOPARENCHYMAL DISORDER IV; JOUBERT-BOLTSHAUSER SYNDROME; Familial aplasia of the vermis. Identifiers: Orphanet 475, MedGen C5979921, MONDO:0018772.

Allele frequency attached by ClinVar (database versions not stated): gnomAD exomes below 0.00001.
gnomAD v4.1: 4 of 1,613,662 alleles (0.00025%); highest among the groups gnomAD compares: Non-Finnish European, 0.00034%; no homozygotes.

Submissions (3):

Labcorp Genetics (formerly Invitae), Labcorp
Classification: Uncertain significance for Joubert syndrome; Meckel-Gruber syndrome. Last evaluated: 2022-10-24. Review status: criteria provided, single submitter. Criteria: Invitae Variant Classification Sherloc (09022015). Collection method: clinical testing. Allele origin: germline.
Comment: This sequence change replaces alanine, which is neutral and non-polar, with valine, which is neutral and non-polar, at codon 1155 of the RPGRIP1L protein (p.Ala1155Val). This variant is present in population databases (no rsID available, gnomAD 0.0009%). This missense change has been observed in individual(s) with RPGRIP1L-related conditions (Invitae). In at least one individual the data is consistent with being in trans (on the opposite chromosome) from a pathogenic variant. ClinVar contains an entry for this variant (Variation ID: 530898). Advanced modeling of protein sequence and biophysical properties (such as structural, functional, and spatial information, amino acid conservation, physicochemical variation, residue mobility, and thermodynamic stability) performed at Invitae indicates that this missense variant is not expected to disrupt RPGRIP1L protein function. In summary, the available evidence is currently insufficient to determine the role of this variant in disease. Therefore, it has been classified as a Variant of Uncertain Significance.

Fulgent Genetics
Classification: Uncertain significance for Joubert syndrome 7; Meckel syndrome, type 5; COACH syndrome 3. Last evaluated: 2021-12-23. Review status: criteria provided, single submitter. Criteria: ACMG Guidelines, 2015. Collection method: clinical testing. Allele origin: unknown.

Natera, Inc.
Classification: Uncertain significance for Joubert syndrome. Last evaluated: 2021-05-07. Review status: no assertion criteria provided. Collection method: clinical testing. Allele origin: germline. Not counted in ClinVar's aggregate classification.

NM_015272.5(RPGRIP1L):c.3464C>T (p.Ala1155Val)

Gene: RPGRIP1L (RPGRIP1 like; minus strand). Cytogenetic location: 16q12.2.
Variant type: single nucleotide variant.
Coding change: c.3464C>T on transcript NM_015272.5 (MANE Select); coding-DNA position 3464, C replaced by T.
Protein change: p.Ala1155Val; replaces alanine 1155 with valine.
Molecular consequence: missense variant.
Genome position (GRCh38, 1-based): chr16:53,619,177, G>A on the plus strand (C>T on the coding strand, the complement: RPGRIP1L is on the minus strand). VCF-style: chr16-53619177-G-A. GRCh37 (hg19) VCF-style: chr16-53653089-G-A.
Other names: c.3224C>T, p.Ala1075Val (NM_001127897.4); c.3326C>T, p.Ala1109Val (NM_001308334.3); c.3362C>T, p.Ala1121Val (NM_001330538.2); short protein forms A1075V, A1155V, A1121V, A1109V.
Identifiers: ClinVar variation 530898 (VCV000530898.8), dbSNP rs1436841364, ClinGen allele CA395923646.